The following is an entry in ClinVar:

NM_000089.4(COL1A2):c.2932C>T (p.Arg978Cys)

Gene: COL1A2 (collagen type I alpha 2 chain; plus strand). Cytogenetic location: 7q21.3.
Variant type: single nucleotide variant.
Coding change: c.2932C>T on transcript NM_000089.4 (MANE Select); coding-DNA position 2932, C replaced by T.
Protein change: p.Arg978Cys; replaces arginine 978 with cysteine.
Molecular consequence: missense variant.
Genome position (GRCh38, 1-based): chr7:94,425,846, C>T. VCF-style: chr7-94425846-C-T. GRCh37 (hg19) VCF-style: chr7-94055158-C-T.
Other names: c.2932C>T (NM_000089.3); short protein forms R978C.
Identifiers: ClinVar variation 499558 (VCV000499558.12), dbSNP rs145633247, ClinGen allele CA4347603.

ClinVar aggregate classification (germline): Uncertain significance. Review status: criteria provided, multiple submitters, no conflicts (2 of 4 stars). 3 submissions from 3 submitters: Uncertain significance (3). Last evaluated 2026-03-21.

Conditions:
Ehlers-Danlos syndrome, classic type, 1 (EDSCL1). Also called: EHLERS-DANLOS SYNDROME, GRAVIS TYPE; EHLERS-DANLOS SYNDROME, SEVERE CLASSIC TYPE; EDS I; Ehlers-Danlos Syndrome, Classic Type, COL5A1-Related; Ehlers-Danlos syndrome, type 1. Identifiers: MedGen C0268335, MONDO:0019567, OMIM 130000.
Osteogenesis imperfecta type I (OI1). Also called: OI, TYPE I; OSTEOGENESIS IMPERFECTA TARDA; OSTEOGENESIS IMPERFECTA WITH BLUE SCLERAE; Classic Non-deforming Osteogenesis Imperfecta with Blue Sclerae; Lobstein disease; Osteogenesis imperfecta type 1. Identifiers: Orphanet 216796, Orphanet 666, MedGen C0023931, MONDO:0008146, OMIM 166200. Disease mechanism: loss of function.
Cardiovascular phenotype. Identifiers: MedGen CN230736.

Allele frequency attached by ClinVar (database versions not stated): gnomAD 0.00001; TOPMed 0.00002; ExAC 0.00002; ESP Exome Variant Server 0.00008.
gnomAD v4.1: 16 of 1,610,248 alleles (0.00099%); highest among the groups gnomAD compares: Middle Eastern, 0.016%; no homozygotes.

Submissions (3):

Ambry Genetics
Classification: Uncertain significance for Cardiovascular phenotype. Last evaluated: 2026-03-21. Review status: criteria provided, single submitter. Criteria: Ambry Variant Classification Scheme 2023. Collection method: clinical testing. Allele origin: germline.
Comment: The p.R978C variant (also known as c.2932C>T), located in coding exon 44 of the COL1A2 gene, results from a C to T substitution at nucleotide position 2932. The arginine at codon 978 is replaced by cysteine, an amino acid with highly dissimilar properties. This amino acid position is conserved. In addition, this alteration is predicted to be deleterious by in silico analysis. Based on the available evidence, the clinical significance of this variant remains unclear.

Labcorp Genetics (formerly Invitae), Labcorp
Classification: Uncertain significance for Osteogenesis imperfecta type I; Ehlers-Danlos syndrome, classic type, 1. Last evaluated: 2025-08-25. Review status: criteria provided, single submitter. Criteria: Invitae Variant Classification Sherloc (09022015). Collection method: clinical testing. Allele origin: germline.
Comment: This sequence change replaces arginine, which is basic and polar, with cysteine, which is neutral and slightly polar, at codon 978 of the COL1A2 protein (p.Arg978Cys). This variant is present in population databases (rs145633247, gnomAD 0.009%). This variant has not been reported in the literature in individuals affected with COL1A2-related conditions. ClinVar contains an entry for this variant (Variation ID: 499558). Invitae Evidence Modeling of protein sequence and biophysical properties (such as structural, functional, and spatial information, amino acid conservation, physicochemical variation, residue mobility, and thermodynamic stability) indicates that this missense variant is expected to disrupt COL1A2 protein function with a positive predictive value of 95%. In summary, the available evidence is currently insufficient to determine the role of this variant in disease. Therefore, it has been classified as a Variant of Uncertain Significance.

Eurofins Ntd Llc (ga)
Classification: Uncertain significance. Last evaluated: 2017-01-18. Review status: criteria provided, single submitter. Criteria: EGL Classification Definitions 2015. Collection method: clinical testing. Allele origin: germline. Observed: 1 variant allele, 1 heterozygote.